The following is an entry in ClinVar:

ClinVar aggregate classification (germline): Uncertain significance (1 of 4 stars; one submission).

Conditions:
NPHP1-related disorder. Also called: NPHP1-related condition; NPHP1-related disorders.

Submission:

PreventionGenetics, part of Exact Sciences
Classification: Uncertain significance for NPHP1-related condition. Last evaluated: 2025-11-24. Review status: criteria provided, single submitter. Criteria: ACMG Guidelines, 2015. Collection method: clinical testing. Allele origin: germline.
Comment: The NPHP1 c.955G>A variant is predicted to result in the amino acid substitution p.Asp319Asn. To our knowledge, this variant has not been reported in the literature. This variant is reported in 0.0018% of alleles in individuals of European (Non-Finnish) descent in gnomAD. At this time, the clinical significance of this variant is uncertain due to the absence of conclusive functional and genetic evidence.

NM_001128178.3(NPHP1):c.787G>A (p.Asp263Asn)

Gene: NPHP1 (nephrocystin 1; minus strand). Cytogenetic location: 2q13.
Variant type: single nucleotide variant.
Coding change: c.787G>A on transcript NM_001128178.3 (MANE Select); coding-DNA position 787, G replaced by A.
Protein change: p.Asp263Asn; replaces aspartic acid 263 with asparagine.
Molecular consequence: missense variant.
Genome position (GRCh38, 1-based): chr2:110,163,120, C>T on the plus strand (G>A on the coding strand, the complement: NPHP1 is on the minus strand). VCF-style: chr2-110163120-C-T. GRCh37 (hg19) VCF-style: chr2-110920697-C-T.
Other names: c.955G>A, p.Asp319Asn (NM_000272.5); c.598G>A, p.Asp200Asn (NM_001128179.3); c.784G>A, p.Asp262Asn (NM_001374256.1); c.787G>A, p.Asp263Asn (NM_001374257.1); c.952G>A, p.Asp318Asn (NM_207181.4); short protein forms D200N, D318N, D262N, D263N, D319N.
Identifiers: ClinVar variation 4986740 (VCV004986740.1).
Genomic context (GRCh38, chr2:110,163,120, plus strand): 5'-GCTGTGAGAGCGTGGAAGGCCTGAACCCTGCAGGAATAGCTCCCATCGTAGTTAACACAT[C>T]AACAGTGTTTATCTGCTGAAGACAGTAACATCAAAATGGATTTGTTTTCAGTCATGTTTC-3'
Protein context (NP_001121650.1, residues 253-273): KAISEQINTV[Asp263Asn]VLTTMGAIPA